The following is an entry in ClinVar:

NM_172351.3(CD46):c.832C>G (p.Pro278Ala)

Gene: CD46 (CD46 molecule; plus strand). Cytogenetic location: 1q32.2.
Variant type: single nucleotide variant.
Coding change: c.832C>G on transcript NM_172351.3 (MANE Select); coding-DNA position 832, C replaced by G.
Protein change: p.Pro278Ala; replaces proline 278 with alanine.
Molecular consequence: missense variant.
Genome position (GRCh38, 1-based): chr1:207,767,171, C>G. VCF-style: chr1-207767171-C-G. GRCh37 (hg19) VCF-style: chr1-207940516-C-G.
Other names: c.832C>G, p.Pro278Ala (NM_002389.4, NM_153826.4, NM_172350.3 and 8 more transcripts); short protein forms P278A.
Identifiers: ClinVar variation 4291187 (VCV004291187.1).

ClinVar aggregate classification (germline): Uncertain significance (1 of 4 stars; one submission).

Conditions:
Atypical hemolytic-uremic syndrome. Identifiers: Orphanet 2134, MedGen C2931788, MONDO:0016244.

Submission:

Genomenon, Inc
Classification: Uncertain significance for Atypical hemolytic-uremic syndrome. Last evaluated: 2025-10-02. Review status: criteria provided, single submitter. Criteria: Genomenon Sequence Variant Interpretation Standards. Collection method: curation. Allele origin: germline. Affected: no.
Comment: CD46 p.Pro278Ala (c.832C>G) is a missense variant that changes the amino acid at residue 278 from Proline to Alanine. This variant has been reported in the published literature (PMID:10960475). It is absent or not present at a significant frequency in gnomAD. In conclusion, we classify CD46 p.Pro278Ala (c.832C>G) as a variant of uncertain significance.

Literature cited by the submitters: PubMed 10960475.